The following is an entry in ClinVar:

NM_024685.4(BBS10):c.118A>T (p.Lys40Ter)

Gene: BBS10 (Bardet-Biedl syndrome 10; minus strand). Cytogenetic location: 12q21.2.
Variant type: single nucleotide variant.
Coding change: c.118A>T on transcript NM_024685.4 (MANE Select); coding-DNA position 118, A replaced by T.
Protein change: p.Lys40Ter; replaces lysine 40 with a stop codon.
Molecular consequence: nonsense.
Genome position (GRCh38, 1-based): chr12:76,348,241, T>A on the plus strand (A>T on the coding strand, the complement: BBS10 is on the minus strand). VCF-style: chr12-76348241-T-A. GRCh37 (hg19) VCF-style: chr12-76742021-T-A.
Other names: c.118A>T, p.Lys40Ter (LRG_1255t1); short protein forms K40*.
Identifiers: ClinVar variation 552187 (VCV000552187.11), dbSNP rs202228478, ClinGen allele CA6694424.
Genomic context (GRCh38, chr12:76,348,241, plus strand): 5'-AGTGTAGCGCCTCCAGGAGGCGGCCTCCATTCCGGCTGAGAAGCACCTCGCCAGTGGGCT[T>A]CGTACACAAAACTTGCCGTCCCTCGGGCCCCACGCAGCAGCTCACGATGGCTTCCAGCAC-3'

ClinVar aggregate classification (germline): Pathogenic/Likely pathogenic. Review status: criteria provided, multiple submitters, no conflicts (2 of 4 stars). 4 submissions from 4 submitters: Pathogenic (2); Likely pathogenic (1). 1 of the submissions does not count toward it. Last evaluated 2024-10-25.

Conditions:
BBS10-related disorder. Also called: BBS10-related condition.
Bardet-Biedl syndrome (BBS). Identifiers: Orphanet 110, MedGen C0752166, MONDO:0015229.
Bardet-Biedl syndrome 10 (BBS10). Identifiers: Orphanet 110, MedGen C1859568, MONDO:0014438, OMIM 615987.

Allele frequency attached by ClinVar (database versions not stated): gnomAD exomes below 0.00001 and 0.00001; ExAC 0.00001; gnomAD 0.00001; 1000 Genomes Project 0.00020; 1000 Genomes Project 30x 0.00031.

Submissions (4):

Blueprint Genetics
Classification: Pathogenic for BBS10-related disorders. Last evaluated: 2024-10-25. Review status: criteria provided, single submitter. Criteria: ACMG Guidelines, 2015. Collection method: clinical testing. Allele origin: germline. Affected: yes. Observed: 1 variant allele.

Fulgent Genetics
Classification: Likely pathogenic for Bardet-Biedl syndrome 10. Last evaluated: 2024-05-10. Review status: criteria provided, single submitter. Criteria: ACMG Guidelines, 2015. Collection method: clinical testing. Allele origin: germline.

Labcorp Genetics (formerly Invitae), Labcorp
Classification: Pathogenic for Bardet-Biedl syndrome. Last evaluated: 2023-03-18. Review status: criteria provided, single submitter. Criteria: Invitae Variant Classification Sherloc (09022015). Collection method: clinical testing. Allele origin: germline.
Comment: This sequence change creates a premature translational stop signal (p.Lys40*) in the BBS10 gene. It is expected to result in an absent or disrupted protein product. Loss-of-function variants in BBS10 are known to be pathogenic (PMID: 26273430, 27659767). This variant is present in population databases (rs202228478, gnomAD 0.0009%). This premature translational stop signal has been observed in individual(s) with Bardet-Biedl syndrome (PMID: 27659767). ClinVar contains an entry for this variant (Variation ID: 552187). Algorithms developed to predict the effect of sequence changes on RNA splicing suggest that this variant may create or strengthen a splice site. For these reasons, this variant has been classified as Pathogenic.

Counsyl
Classification: Pathogenic for Bardet-Biedl syndrome 10. Last evaluated: 2017-05-25. Review status: no assertion criteria provided. Collection method: clinical testing. Allele origin: unknown. Not counted in ClinVar's aggregate classification.

Literature cited by the submitters: PubMed 26273430 (cited by Labcorp Genetics (formerly Invitae), Labcorp); PubMed 27659767 (cited by Labcorp Genetics (formerly Invitae), Labcorp and Counsyl).